The following is an entry in ClinVar:

NM_003002.4(SDHD):c.230T>A (p.Leu77Gln)

Gene: SDHD (succinate dehydrogenase complex subunit D; plus strand). Cytogenetic location: 11q23.1.
Variant type: single nucleotide variant.
Coding change: c.230T>A on transcript NM_003002.4 (MANE Select); coding-DNA position 230, T replaced by A.
Protein change: p.Leu77Gln; replaces leucine 77 with glutamine.
Molecular consequence: missense variant. On other transcripts: non-coding transcript variant (1), intron variant (1).
Genome position (GRCh38, 1-based): chr11:112,088,927, T>A. VCF-style: chr11-112088927-T-A. GRCh37 (hg19) VCF-style: chr11-111959651-T-A.
Other names: c.113T>A, p.Leu38Gln (NM_001276504.2); c.230T>A, p.Leu77Gln (NM_001276506.2); c.169+954T>A (NM_001276503.2); short protein forms L38Q, L77Q.
Identifiers: ClinVar variation 3073872 (VCV003073872.1), dbSNP rs777963699, ClinGen allele CA382617275.

ClinVar aggregate classification (germline): Uncertain significance (1 of 4 stars; one submission).

Conditions:
Hereditary pheochromocytoma and paraganglioma. Also called: Hereditary pheochromocytoma-paraganglioma; Hereditary Paraganglioma-Pheochromocytoma Syndromes; Hereditary paragangliomas and pheochromocytomas. Identifiers: Orphanet 29072, MedGen C4274332, MONDO:0017366.

Submission:

All of Us Research Program, National Institutes of Health
Classification: Uncertain significance for Hereditary pheochromocytoma and paraganglioma. Last evaluated: 2023-11-30. Review status: criteria provided, single submitter. Criteria: ACMG Guidelines, 2015. Collection method: clinical testing. Allele origin: germline. Inheritance: Autosomal dominant inheritance. Observed: 1 variant allele, 1 heterozygote.
Comment: This study involves interpretation of variants in research participants for the purpose of population health screening. Participant phenotype was not available at the time of variant classification. Additional details can be found in publication PMID: 35346344, PMCID: PMC8962531